The following is an entry in ClinVar:

ClinVar aggregate classification (germline): Uncertain significance (1 of 4 stars; one submission).

Conditions:
Hereditary cancer-predisposing syndrome. Also called: Tumor predisposition; Hereditary Cancer Syndrome; Hereditary neoplastic syndrome; Neoplastic Syndromes, Hereditary. Identifiers: Orphanet 140162, MedGen C0027672, MeSH D009386, MONDO:0015356.

Submission:

Ambry Genetics
Classification: Uncertain significance for Hereditary cancer-predisposing syndrome. Last evaluated: 2025-10-22. Review status: criteria provided, single submitter. Criteria: Ambry Variant Classification Scheme 2023. Collection method: clinical testing. Allele origin: germline.
Comment: The p.Q219R variant (also known as c.656A>G), located in coding exon 7 of the RAD51D gene, results from an A to G substitution at nucleotide position 656. The glutamine at codon 219 is replaced by arginine, an amino acid with highly similar properties. This amino acid position is conserved. In addition, this alteration is predicted to be tolerated by in silico analysis. Based on the available evidence, the clinical significance of this variant remains unclear.

NM_002878.4(RAD51D):c.656A>G (p.Gln219Arg)

Genes: RAD51L3-RFFL (RAD51L3-RFFL readthrough; minus strand), RAD51D (RAD51 paralog D; minus strand). Cytogenetic location: 17q12.
Variant type: single nucleotide variant.
Coding change: c.656A>G on transcript NM_002878.4 (MANE Select); coding-DNA position 656, A replaced by G.
Protein change: p.Gln219Arg; replaces glutamine 219 with arginine.
Molecular consequence: missense variant. On other transcripts: non-coding transcript variant (3).
Genome position (GRCh38, 1-based): chr17:35,103,465, T>C on the plus strand (A>G on the coding strand, the complement: RAD51D is on the minus strand). VCF-style: chr17-35103465-T-C. GRCh37 (hg19) VCF-style: chr17-33430484-T-C.
Other names: c.716A>G, p.Gln239Arg (NM_001142571.2); c.320A>G, p.Gln107Arg (NM_133629.3); short protein forms Q239R, Q107R, Q219R.
Identifiers: ClinVar variation 4543203 (VCV004543203.1).
Genomic context (GRCh38, chr17:35,103,465, plus strand): 5'-GGAGGCGAGGTCACATTCCACTGGCCCCAGGCTCTGCCACATCACTCACCTTCCCTCTGC[T>C]GACCTCCCAGAAGTGGGGAAACCACCGCAGTGACCGAGTCCACAACCACCACCTTCACAG-3'
Protein context (NP_002869.3, residues 209-229): TAVVSPLLGG[Gln219Arg]QREGLALMMQ